The following is an entry in ClinVar:

ClinVar aggregate classification (germline): Likely pathogenic. Review status: criteria provided, multiple submitters, no conflicts (2 of 4 stars). 3 submissions from 3 submitters: Likely pathogenic (3). Last evaluated 2025-10-01.

Conditions:
DYRK1A-related intellectual disability syndrome (MRD7). Also called: DYRK1A Syndrome; Intellectual developmental disorder, autosomal dominant 7. Identifiers: Orphanet 464306, MedGen C5568143, MONDO:0013578, OMIM 614104.

Submissions (3):

Excellence Center for Genomics and Precision Medicine, King Chulalongkorn Memorial Hospital
Classification: Likely pathogenic for DYRK1A-related intellectual disability syndrome. Last evaluated: 2025-10-01. Review status: criteria provided, single submitter. Criteria: ACMG Guidelines, 2015. Collection method: clinical testing. Allele origin: germline. Affected: yes.
Comment: PP3, PP2, PS3_supporting, PM2_supporting, PM5

Illumina Laboratory Services, Illumina
Classification: Likely pathogenic for DYRK1A-related intellectual disability syndrome. Last evaluated: 2023-05-09. Review status: criteria provided, single submitter. Criteria: ICSLVariantClassificationCriteria RUGD 01 April 2020. Collection method: clinical testing. Allele origin: unknown.
Comment: The DYRK1A c.1037C>T (p.Ser346Phe) missense variant has not, to our knowledge, been reported in the peer-reviewed literature. However, a different amino acid substitution at the same codon (p.Ser346Pro) has been reported in individuals with DYRK1A-related intellectual disability syndrome (PMID: 25920557; 28053047; 29700199). The p.Ser346Phe variant is not observed in version 2.1.1 or version 3.1.2 of the Genome Aggregation Database. This variant is located in the protein kinase domain of DYRK1A, and functional studies conducted in human cell lines demonstrated that the p.Ser346Phe and p.Ser346Pro variants abolish kinase activity (PMID: 29700199; 30831192). Multiple lines of computational evidence suggest the variant may impact the gene or gene product. This variant was identified in a de novo state. Based on the available evidence, the variant is classified as likely pathogenic for intellectual developmental disorder.

Laboratory for Molecular Medicine, Mass General Brigham Personalized Medicine
Classification: Likely pathogenic for DYRK1A-related intellectual disability syndrome. Last evaluated: 2016-10-19. Review status: criteria provided, single submitter. Criteria: LMM Criteria. Collection method: clinical testing. Allele origin: germline. Inheritance: Autosomal dominant inheritance. Observed: 1 variant allele.
Comment: The p.Ser346Phe variant in DYRK1A was absent from large population studies and h as been detected in one individual with a range of phenotypic manifestations inc luding intellectual disability, seizures and microcephaly (TIDEX study, m.) It reportedly was not detected in the unaffected parents, which increases th e likelihood that it is pathogenic. A different amino acid change at the same po sition (p.Ser346Pro) has been identified as a de novo variant in 2 individuals w ith intellectual disability, autism, and microcephaly (Bronicki 2015, DDDS 2015) , further supporting that a change at this position may not be tolerated. This i s consistent with computational predictions that suggest an impact to the protei n. Finally, the DYRK1A gene is associated with "DYRK1A-related intellectual disa bility syndrome with all cases reported to date resulting from a de novo variant. In summary, the available evi dence suggests that the Ser346Phe variant is likely pathogenic.

Literature cited by the submitters: PubMed 28053047 (cited by Illumina Laboratory Services, Illumina); PubMed 30831192 (cited by Illumina Laboratory Services, Illumina); PubMed 29700199 (cited by Illumina Laboratory Services, Illumina); PubMed 25920557 (cited by Illumina Laboratory Services, Illumina and Laboratory for Molecular Medicine, Mass General Brigham Personalized Medicine); PubMed 25533962 (cited by Laboratory for Molecular Medicine, Mass General Brigham Personalized Medicine).

NM_001347721.2(DYRK1A):c.1010C>T (p.Ser337Phe)

Gene: DYRK1A (dual specificity tyrosine phosphorylation regulated kinase 1A; plus strand). Cytogenetic location: 21q22.13.
Variant type: single nucleotide variant.
Coding change: c.1010C>T on transcript NM_001347721.2 (MANE Select); coding-DNA position 1010, C replaced by T.
Protein change: p.Ser337Phe; replaces serine 337 with phenylalanine.
Molecular consequence: missense variant.
Genome position (GRCh38, 1-based): chr21:37,493,102, C>T. VCF-style: chr21-37493102-C-T. GRCh37 (hg19) VCF-style: chr21-38865404-C-T.
Other names: c.1037C>T, p.Ser346Phe (NM_101395.2, NM_001396.5, NM_130438.2); c.1010C>T, p.Ser337Phe (NM_001347722.2, NM_130436.2); c.923C>T, p.Ser308Phe (NM_001347723.2); short protein forms S346F, S308F, S337F.
Identifiers: ClinVar variation 505359 (VCV000505359.6), dbSNP rs1555985649, ClinGen allele CA409936554.